The following is an entry in ClinVar:

ClinVar aggregate classification (germline): Uncertain significance (1 of 4 stars; one submission).

Submission:

GeneDx
Classification: Uncertain significance. Last evaluated: 2023-12-19. Review status: criteria provided, single submitter. Criteria: GeneDx Variant Classification Process June 2021. Collection method: clinical testing. Allele origin: germline. Affected: yes.
Comment: Not observed at significant frequency in large population cohorts (gnomAD); In silico analysis supports that this missense variant does not alter protein structure/function; Has not been previously published as pathogenic or benign to our knowledge

NM_016333.4(SRRM2):c.3350A>G (p.Asp1117Gly)

Gene: SRRM2 (serine/arginine repetitive matrix 2; plus strand). Cytogenetic location: 16p13.3.
Variant type: single nucleotide variant.
Coding change: c.3350A>G on transcript NM_016333.4 (MANE Select); coding-DNA position 3350, A replaced by G.
Protein change: p.Asp1117Gly; replaces aspartic acid 1117 with glycine.
Molecular consequence: missense variant.
Genome position (GRCh38, 1-based): chr16:2,763,878, A>G. VCF-style: chr16-2763878-A-G. GRCh37 (hg19) VCF-style: chr16-2813879-A-G.
Other names: short protein forms D1117G.
Identifiers: ClinVar variation 3370093 (VCV003370093.1).